The following is an entry in ClinVar:

ClinVar aggregate classification (germline): Likely pathogenic (1 of 4 stars; one submission).

Conditions:
Neuronal ceroid lipofuscinosis. Also called: Neuronal Ceroid Lipofuscinoses. Identifiers: Orphanet 216, Orphanet 79263, MedGen C0027877, MONDO:0016295. Disease mechanism: loss of function.

Submission:

Labcorp Genetics (formerly Invitae), Labcorp
Classification: Likely pathogenic for Neuronal ceroid lipofuscinosis. Last evaluated: 2020-02-18. Review status: criteria provided, single submitter. Criteria: Invitae Variant Classification Sherloc (09022015). Collection method: clinical testing. Allele origin: germline.
Comment: This variant is a gross deletion of the genomic region encompassing exons 4-7 of the CLN6 gene. The 5' boundary is likely confined to intron 3. The 3' end of this event is unknown as it extends through the termination codon beyond the assayed region for this gene and may encompass additional genes. While this deletion is not anticipated to result in nonsense mediated decay, it is expected to create a truncated protein product or disrupt mRNA translation. This variant has not been reported in the literature in individuals with CLN6-related conditions. This variant disrupts the p.Arg103 amino acid residue in CLN6. Other variant(s) that disrupt this residue have been determined to be pathogenic (PMID: 18846690, 27903347, 21549341, 30561534). This suggests that this residue is clinically significant, and that variants that disrupt this residue are likely to be disease-causing. In summary, the currently available evidence indicates that the variant is pathogenic, but additional data are needed to prove that conclusively. Therefore, this variant has been classified as Likely Pathogenic.

Literature cited by the submitters: PubMed 18846690; PubMed 27903347; PubMed 21549341; PubMed 30561534.

NC_000015.9:g.(?_68500458)_(68504221_?)del

Gene: CLN6 (CLN6 transmembrane ER protein; minus strand). Cytogenetic location: 15q23.
Variant type: Deletion.
Identifiers: ClinVar variation 1067841 (VCV001067841.1).